The following is an entry in ClinVar:

ClinVar aggregate classification (germline): Uncertain significance. Review status: criteria provided, multiple submitters, no conflicts (2 of 4 stars). 2 submissions from 2 submitters: Uncertain significance (2). Last evaluated 2024-04-25.

Conditions:
Sick sinus syndrome 2, autosomal dominant (SSS2). Also called: SINUS BRADYCARDIA SYNDROME, FAMILIAL, AUTOSOMAL DOMINANT; SINUS NODE DISEASE, FAMILIAL, AUTOSOMAL DOMINANT; SICK SINUS SYNDROME 2; SICK SINUS SYNDROME 2 WITH OR WITHOUT CARDIAC NONCOMPACTION AND/OR ASCENDING AORTA DILATION; ATRIAL FIBRILLATION WITH BRADYARRHYTHMIA. Identifiers: Orphanet 166282, MedGen C1834144, MONDO:0008102, OMIM 163800.
Epilepsy, idiopathic generalized, susceptibility to, 18. Identifiers: MedGen C5561983, MONDO:0030434, OMIM 619521.
Brugada syndrome 8 (BRGDA8). Identifiers: Orphanet 130, MedGen C2751083, MONDO:0013148, OMIM 613123.

gnomAD v4.1: 1 of 1,614,038 alleles (0.000062%); highest among the groups gnomAD compares: African/African-American, 0.0013%; no homozygotes.

Submissions (2):

Labcorp Genetics (formerly Invitae), Labcorp
Classification: Uncertain significance for Brugada syndrome 8. Last evaluated: 2024-04-25. Review status: criteria provided, single submitter. Criteria: Invitae Variant Classification Sherloc (09022015). Collection method: clinical testing. Allele origin: germline.
Comment: This sequence change replaces aspartic acid, which is acidic and polar, with histidine, which is basic and polar, at codon 364 of the HCN4 protein (p.Asp364His). This variant is not present in population databases (gnomAD no frequency). This variant has not been reported in the literature in individuals affected with HCN4-related conditions. ClinVar contains an entry for this variant (Variation ID: 1399390). Advanced modeling of protein sequence and biophysical properties (such as structural, functional, and spatial information, amino acid conservation, physicochemical variation, residue mobility, and thermodynamic stability) performed at Invitae indicates that this missense variant is not expected to disrupt HCN4 protein function with a negative predictive value of 80%. In summary, the available evidence is currently insufficient to determine the role of this variant in disease. Therefore, it has been classified as a Variant of Uncertain Significance.

Fulgent Genetics
Classification: Uncertain significance for Sick sinus syndrome 2, autosomal dominant; Brugada syndrome 8; Epilepsy, idiopathic generalized, susceptibility to, 18. Last evaluated: 2021-08-18. Review status: criteria provided, single submitter. Criteria: ACMG Guidelines, 2015. Collection method: clinical testing. Allele origin: unknown.

NM_005477.3(HCN4):c.1090G>C (p.Asp364His)

Genes: HCN4 (hyperpolarization activated cyclic nucleotide gated potassium channel 4; minus strand), LOC105370890 (uncharacterized LOC105370890; plus strand), LOC126862173 (CDK7 strongly-dependent group 2 enhancer GRCh37_chr15:73635762-73636961; plus strand). Cytogenetic location: 15q24.1.
Variant type: single nucleotide variant.
Coding change: c.1090G>C on transcript NM_005477.3 (MANE Select); coding-DNA position 1090, G replaced by C.
Protein change: p.Asp364His; replaces aspartic acid 364 with histidine.
Molecular consequence: missense variant.
Genome position (GRCh38, 1-based): chr15:73,343,504, C>G on the plus strand (G>C on the coding strand, the complement: HCN4 is on the minus strand). VCF-style: chr15-73343504-C-G. GRCh37 (hg19) VCF-style: chr15-73635845-C-G.
Other names: short protein forms D364H.
Identifiers: ClinVar variation 1399390 (VCV001399390.7), dbSNP rs151004999, ClinGen allele CA393094872.
Genomic context (GRCh38, chr15:73,343,504, plus strand): 5'-TGAGGATCTTCGTGAAGCGGACAATGCGCAGGGCCCGGGCAGTCTTGTAGACCTCCGAGT[C>G]GATGCGTGTCTCCACAATGAGGAAGATGTAGTCCACGGGGATGGAGGAAATGAAATCTAC-3'
Protein context (NP_005468.1, residues 354-374): YIFLIVETRI[Asp364His]SEVYKTARAL